The following is an entry in ClinVar:

NM_016038.4(SBDS):c.53T>A (p.Val18Glu)

Gene: SBDS (SBDS ribosome maturation factor; minus strand). Cytogenetic location: 7q11.21.
Variant type: single nucleotide variant.
Coding change: c.53T>A on transcript NM_016038.4 (MANE Select); coding-DNA position 53, T replaced by A.
Protein change: p.Val18Glu; replaces valine 18 with glutamic acid.
Molecular consequence: missense variant.
Genome position (GRCh38, 1-based): chr7:66,995,365, A>T on the plus strand (T>A on the coding strand, the complement: SBDS is on the minus strand). VCF-style: chr7-66995365-A-T. GRCh37 (hg19) VCF-style: chr7-66460352-A-T.
Other names: short protein forms V18E.
Identifiers: ClinVar variation 4630247 (VCV004630247.1).

ClinVar aggregate classification (germline): Uncertain significance (1 of 4 stars; one submission).

Conditions:
Inborn genetic diseases. Identifiers: MedGen C0950123, MeSH D030342.

Submission:

Ambry Genetics
Classification: Uncertain significance for Inborn genetic diseases. Last evaluated: 2025-12-07. Review status: criteria provided, single submitter. Criteria: Ambry Variant Classification Scheme 2023. Collection method: clinical testing. Allele origin: germline.
Comment: The p.V18E variant (also known as c.53T>A), located in coding exon 1 of the SBDS gene, results from a T to A substitution at nucleotide position 53. The valine at codon 18 is replaced by glutamic acid, an amino acid with dissimilar properties. This amino acid position is conserved. In addition, this alteration is predicted to be deleterious by in silico analysis. Based on the available evidence, the clinical significance of this variant remains unclear.